The following is an entry in ClinVar:

ClinVar aggregate classification (germline): Uncertain significance (1 of 4 stars; one submission).

Submission:

Labcorp Genetics (formerly Invitae), Labcorp
Classification: Uncertain significance. Last evaluated: 2024-03-01. Review status: criteria provided, single submitter. Criteria: Invitae Variant Classification Sherloc (09022015). Collection method: clinical testing. Allele origin: germline.
Comment: This sequence change replaces alanine, which is neutral and non-polar, with valine, which is neutral and non-polar, at codon 225 of the GNAT1 protein (p.Ala225Val). This variant is not present in population databases (gnomAD no frequency). This variant has not been reported in the literature in individuals affected with GNAT1-related conditions. ClinVar contains an entry for this variant (Variation ID: 1051796). Advanced modeling of protein sequence and biophysical properties (such as structural, functional, and spatial information, amino acid conservation, physicochemical variation, residue mobility, and thermodynamic stability) performed at Invitae indicates that this missense variant is not expected to disrupt GNAT1 protein function with a negative predictive value of 80%. In summary, the available evidence is currently insufficient to determine the role of this variant in disease. Therefore, it has been classified as a Variant of Uncertain Significance.

NM_144499.3(GNAT1):c.674C>T (p.Ala225Val)

Gene: GNAT1 (G protein subunit alpha transducin 1; plus strand). Cytogenetic location: 3p21.31.
Variant type: single nucleotide variant.
Coding change: c.674C>T on transcript NM_144499.3 (MANE Select); coding-DNA position 674, C replaced by T.
Protein change: p.Ala225Val; replaces alanine 225 with valine.
Molecular consequence: missense variant.
Genome position (GRCh38, 1-based): chr3:50,194,187, C>T. VCF-style: chr3-50194187-C-T. GRCh37 (hg19) VCF-style: chr3-50231620-C-T.
Other names: c.674C>T, p.Ala225Val (NM_000172.4); short protein forms A225V.
Identifiers: ClinVar variation 1051796 (VCV001051796.5), dbSNP rs2109139492, ClinGen allele CA352917233.